The following is an entry in ClinVar:

ClinVar aggregate classification (germline): Uncertain significance (1 of 4 stars; one submission).

Submission:

GeneDx
Classification: Uncertain significance. Last evaluated: 2024-07-16. Review status: criteria provided, single submitter. Criteria: GeneDx Variant Classification Process June 2021. Collection method: clinical testing. Allele origin: germline. Affected: yes.
Comment: Not observed at significant frequency in large population cohorts (gnomAD); In silico analysis indicates that this missense variant does not alter protein structure/function; Has not been previously published as pathogenic or benign to our knowledge

NM_001010867.4(IBA57):c.461A>C (p.His154Pro)

Gene: IBA57 (iron-sulfur cluster assembly factor IBA57; plus strand). Cytogenetic location: 1q42.13.
Variant type: single nucleotide variant.
Coding change: c.461A>C on transcript NM_001010867.4 (MANE Select); coding-DNA position 461, A replaced by C.
Protein change: p.His154Pro; replaces histidine 154 with proline.
Molecular consequence: missense variant. On other transcripts: 5 prime UTR variant (1).
Genome position (GRCh38, 1-based): chr1:228,174,811, A>C. VCF-style: chr1-228174811-A-C. GRCh37 (hg19) VCF-style: chr1-228362512-A-C.
Other names: c.-119A>C (NM_001310327.2); short protein forms H154P.
Identifiers: ClinVar variation 3573783 (VCV003573783.1).